The following is an entry in ClinVar:

ClinVar aggregate classification (germline): Likely benign (0 of 4 stars; one submission).

Conditions:
ABCC1-related disorder. Also called: ABCC1-related condition.

Allele frequency attached by ClinVar (database versions not stated): 1000 Genomes Project 30x 0.00078; 1000 Genomes Project 0.00080; ESP Exome Variant Server 0.00121.
gnomAD v4.1: 236 of 1,614,156 alleles (0.015%); highest among the groups gnomAD compares: African/African-American, 0.28%; no homozygotes.

Submission:

PreventionGenetics, part of Exact Sciences
Classification: Likely benign for ABCC1-related condition. Last evaluated: 2020-10-20. Review status: no assertion criteria provided. Collection method: clinical testing. Allele origin: germline.
Comment: This variant is classified as likely benign based on ACMG/AMP sequence variant interpretation guidelines (Richards et al. 2015 PMID: 25741868, with internal and published modifications).

NM_004996.4(ABCC1):c.854C>T (p.Pro285Leu)

Gene: ABCC1 (ATP binding cassette subfamily C member 1 (ABCC1 blood group); plus strand). Cytogenetic location: 16p13.11.
Variant type: single nucleotide variant.
Coding change: c.854C>T on transcript NM_004996.4 (MANE Select); coding-DNA position 854, C replaced by T.
Protein change: p.Pro285Leu; replaces proline 285 with leucine.
Molecular consequence: missense variant.
Genome position (GRCh38, 1-based): chr16:16,044,494, C>T. VCF-style: chr16-16044494-C-T. GRCh37 (hg19) VCF-style: chr16-16138351-C-T.
Other names: c.854C>T, p.Pro285Leu (NM_019862.3); short protein forms P285L.
Identifiers: ClinVar variation 3034993 (VCV003034993.2), dbSNP rs199675371, ClinGen allele CA7923716.